The following is an entry in ClinVar:

ClinVar aggregate classification (germline): Uncertain significance. Review status: criteria provided, multiple submitters, no conflicts (2 of 4 stars). 3 submissions from 3 submitters: Uncertain significance (2). 1 of the submissions does not count toward it. Last evaluated 2024-04-22.

Conditions:
Inborn genetic diseases. Identifiers: MedGen C0950123, MeSH D030342.
Autosomal recessive limb-girdle muscular dystrophy type 2A (LGMDR1). Also called: Muscular dystrophy, limb-girdle, type 2A, Amish; Limb-girdle muscular dystrophy, type 2A; Calpainopathy; LEYDEN-MOEBIUS MUSCULAR DYSTROPHY; MUSCULAR DYSTROPHY, PELVOFEMORAL. Identifiers: Orphanet 267, MedGen C1869123, MONDO:0009675, OMIM 253600. Disease mechanism: loss of function.

Allele frequency attached by ClinVar (database versions not stated): gnomAD 0.00001; TOPMed 0.00001; gnomAD exomes 0.00002; ExAC 0.00003.
gnomAD v4.1: 14 of 1,613,126 alleles (0.00087%); highest among the groups gnomAD compares: East Asian, 0.013%; no homozygotes.

Submissions (3):

Ambry Genetics
Classification: Uncertain significance for Inborn genetic diseases. Last evaluated: 2024-04-22. Review status: criteria provided, single submitter. Criteria: Ambry Variant Classification Scheme 2023. Collection method: clinical testing. Allele origin: germline.

Labcorp Genetics (formerly Invitae), Labcorp
Classification: Uncertain significance for Autosomal recessive limb-girdle muscular dystrophy type 2A. Last evaluated: 2022-06-20. Review status: criteria provided, single submitter. Criteria: Invitae Variant Classification Sherloc (09022015). Collection method: clinical testing. Allele origin: germline.
Comment: This sequence change replaces isoleucine, which is neutral and non-polar, with valine, which is neutral and non-polar, at codon 317 of the CAPN3 protein (p.Ile317Val). This variant is present in population databases (rs759881880, gnomAD 0.04%). This variant has not been reported in the literature in individuals affected with CAPN3-related conditions. ClinVar contains an entry for this variant (Variation ID: 972160). Algorithms developed to predict the effect of missense changes on protein structure and function (SIFT, PolyPhen-2, Align-GVGD) all suggest that this variant is likely to be tolerated. In summary, the available evidence is currently insufficient to determine the role of this variant in disease. Therefore, it has been classified as a Variant of Uncertain Significance.

Natera, Inc.
Classification: Uncertain significance for Limb-girdle muscular dystrophy type 2A. Last evaluated: 2020-07-09. Review status: no assertion criteria provided. Collection method: clinical testing. Allele origin: germline. Not counted in ClinVar's aggregate classification.

NM_000070.3(CAPN3):c.949A>G (p.Ile317Val)

Gene: CAPN3 (calpain 3; plus strand). Cytogenetic location: 15q15.1.
Variant type: single nucleotide variant.
Coding change: c.949A>G on transcript NM_000070.3 (MANE Select); coding-DNA position 949, A replaced by G.
Protein change: p.Ile317Val; replaces isoleucine 317 with valine.
Molecular consequence: missense variant.
Genome position (GRCh38, 1-based): chr15:42,392,642, A>G. VCF-style: chr15-42392642-A-G. GRCh37 (hg19) VCF-style: chr15-42684840-A-G.
Other names: c.949A>G, p.Ile317Val (NM_024344.2); c.805A>G, p.Ile269Val (NM_173087.2); short protein forms I269V, I317V.
Identifiers: ClinVar variation 972160 (VCV000972160.8), dbSNP rs759881880, ClinGen allele CA7511199.